The following is an entry in ClinVar:

NM_004369.4(COL6A3):c.4146G>A (p.Ser1382=)

Gene: COL6A3 (collagen type VI alpha 3 chain; minus strand). Cytogenetic location: 2q37.3.
Variant type: single nucleotide variant.
Coding change: c.4146G>A on transcript NM_004369.4 (MANE Select); coding-DNA position 4146, G replaced by A.
Protein change: p.Ser1382=; no amino-acid change (serine 1382 retained).
Molecular consequence: synonymous variant.
Genome position (GRCh38, 1-based): chr2:237,371,871, C>T on the plus strand (G>A on the coding strand, the complement: COL6A3 is on the minus strand). VCF-style: chr2-237371871-C-T. GRCh37 (hg19) VCF-style: chr2-238280514-C-T.
Other names: c.2925G>A, p.Ser975= (NM_057164.5); c.3528G>A, p.Ser1176= (NM_057165.5, NM_057167.4); c.2325G>A, p.Ser775= (NM_057166.5).
Identifiers: ClinVar variation 389131 (VCV000389131.46), dbSNP rs114791158, ClinGen allele CA2188985.

ClinVar aggregate classification (germline): Conflicting classifications of pathogenicity. Review status: criteria provided, conflicting classifications (1 of 4 stars). 6 submissions from 6 submitters: Uncertain significance (1); Likely benign (5). Last evaluated 2026-04-01.

Conditions:
Collagen 6-related myopathy. Identifiers: MedGen CN117976, MONDO:0100225.
Bethlem myopathy 1A. Also called: Bethlem Muscular Dystrophy; Bethlem myopathy 1; MYOPATHY, BENIGN CONGENITAL, WITH CONTRACTURES. Identifiers: Orphanet 610, MedGen CN029274, MONDO:0024530, OMIM 158810.

Allele frequency attached by ClinVar (database versions not stated): ESP Exome Variant Server 0.00015; gnomAD 0.00019 and 0.00021; TOPMed 0.00022; gnomAD exomes 0.00024; ExAC 0.00026; 1000 Genomes Project 30x 0.00047; 1000 Genomes Project 0.00060.
gnomAD v4.1: 334 of 1,613,568 alleles (0.021%); highest among the groups gnomAD compares: Middle Eastern, 0.2%; 2 homozygotes.

Submissions (6):

CeGaT Center for Human Genetics Tuebingen
Classification: Likely benign. Last evaluated: 2026-04-01. Review status: criteria provided, single submitter. Criteria: CeGaT Center For Human Genetics Tuebingen Variant Classification Criteria Version 2. Collection method: clinical testing. Allele origin: germline. Affected: yes. Observed: 5 variant alleles.
Comment: COL6A3: BP4, BP7

Labcorp Genetics (formerly Invitae), Labcorp
Classification: Likely benign for Bethlem myopathy 1A. Last evaluated: 2026-01-09. Review status: criteria provided, single submitter. Criteria: Invitae Variant Classification Sherloc (09022015). Collection method: clinical testing. Allele origin: germline.

Blueprint Genetics
Classification: Likely benign. Last evaluated: 2024-11-11. Review status: criteria provided, single submitter. Criteria: ACMG Guidelines, 2015. Collection method: clinical testing. Allele origin: germline.

GeneDx
Classification: Likely benign. Last evaluated: 2021-09-08. Review status: criteria provided, single submitter. Criteria: GeneDx Variant Classification Process June 2021. Collection method: clinical testing. Allele origin: germline. Affected: yes.

Eurofins Ntd Llc (ga)
Classification: Uncertain significance. Last evaluated: 2018-09-14. Review status: criteria provided, single submitter. Criteria: EGL ClinVar v180209 classification definitions. Collection method: clinical testing. Allele origin: germline. Observed: 3 variant alleles, 3 heterozygotes.

Illumina Laboratory Services, Illumina
Classification: Likely benign for Collagen VI-related myopathy. Last evaluated: 2018-01-13. Review status: criteria provided, single submitter. Criteria: ICSL Variant Classification Criteria 13 December 2019. Collection method: clinical testing. Allele origin: germline.
Comment: This variant was observed in the ICSL laboratory as part of a predisposition screen in an ostensibly healthy population. It had not been previously curated by ICSL or reported in the Human Gene Mutation Database (HGMD: prior to June 1st, 2018), and was therefore a candidate for classification through an automated scoring system. Utilizing variant allele frequency, disease prevalence and penetrance estimates, and inheritance mode, an automated score was calculated to assess if this variant is too frequent to cause the disease. Based on the score and internal cut-off values, a variant classified as likely benign is not then subjected to further curation. The score for this variant resulted in a classification of likely benign for this disease.